The following is an entry in ClinVar:

NM_016507.4(CDK12):c.1792C>G (p.Gln598Glu)

Gene: CDK12 (cyclin dependent kinase 12; plus strand). Cytogenetic location: 17q12.
Variant type: single nucleotide variant.
Coding change: c.1792C>G on transcript NM_016507.4 (MANE Select); coding-DNA position 1792, C replaced by G.
Protein change: p.Gln598Glu; replaces glutamine 598 with glutamic acid.
Molecular consequence: missense variant.
Genome position (GRCh38, 1-based): chr17:39,471,624, C>G. VCF-style: chr17-39471624-C-G. GRCh37 (hg19) VCF-style: chr17-37627877-C-G.
Other names: c.1792C>G, p.Gln598Glu (NM_015083.4); short protein forms Q598E.
Identifiers: ClinVar variation 3265418 (VCV003265418.2).

ClinVar aggregate classification (germline): Uncertain significance (1 of 4 stars; one submission).

gnomAD v4.1: 2 of 1,614,184 alleles (0.00012%); no homozygotes.

Submission:

Ambry Genetics
Classification: Uncertain significance. Last evaluated: 2024-11-28. Review status: criteria provided, single submitter. Criteria: Ambry Variant Classification Scheme 2023. Collection method: clinical testing. Allele origin: germline.
Comment: The p.Q598E variant (also known as c.1792C>G), located in coding exon 2 of the CDK12 gene, results from a C to G substitution at nucleotide position 1792. The glutamine at codon 598 is replaced by glutamic acid, an amino acid with highly similar properties. This amino acid position is conserved. In addition, this alteration is predicted to be tolerated by in silico analysis. Based on the available evidence, the clinical significance of this variant remains unclear.